The following is an entry in ClinVar:

ClinVar aggregate classification (germline): Uncertain significance (1 of 4 stars; one submission).

Submission:

GeneDx
Classification: Uncertain significance. Last evaluated: 2023-03-31. Review status: criteria provided, single submitter. Criteria: GeneDx Variant Classification Process June 2021. Collection method: clinical testing. Allele origin: germline. Affected: yes.
Comment: Not observed at significant frequency in large population cohorts (gnomAD); In silico analysis supports that this missense variant has a deleterious effect on protein structure/function; Has not been previously published as pathogenic or benign to our knowledge

NM_181672.3(OGT):c.85C>T (p.His29Tyr)

Gene: OGT (O-linked N-acetylglucosamine (GlcNAc) transferase; plus strand). Cytogenetic location: Xq13.1.
Variant type: single nucleotide variant.
Coding change: c.85C>T on transcript NM_181672.3 (MANE Select); coding-DNA position 85, C replaced by T.
Protein change: p.His29Tyr; replaces histidine 29 with tyrosine.
Molecular consequence: missense variant.
Genome position (GRCh38, 1-based): chrX:71,536,225, C>T. VCF-style: chrX-71536225-C-T. GRCh37 (hg19) VCF-style: chrX-70756075-C-T.
Other names: c.55C>T, p.His19Tyr (NM_181673.3); short protein forms H19Y, H29Y.
Identifiers: ClinVar variation 2582047 (VCV002582047.1), dbSNP rs2522815940, ClinGen allele CA413534391.